The following is an entry in ClinVar:

NM_002547.3(OPHN1):c.191T>C (p.Leu64Pro)

Gene: OPHN1 (oligophrenin 1; minus strand). Cytogenetic location: Xq12.
Variant type: single nucleotide variant.
Coding change: c.191T>C on transcript NM_002547.3 (MANE Select); coding-DNA position 191, T replaced by C.
Protein change: p.Leu64Pro; replaces leucine 64 with proline.
Molecular consequence: missense variant.
Genome position (GRCh38, 1-based): chrX:68,299,060, A>G on the plus strand (T>C on the coding strand, the complement: OPHN1 is on the minus strand). VCF-style: chrX-68299060-A-G. GRCh37 (hg19) VCF-style: chrX-67518902-A-G.
Other names: short protein forms L64P.
Identifiers: ClinVar variation 976257 (VCV000976257.1), dbSNP rs2078108310, ClinGen allele CA413432547.

ClinVar aggregate classification (germline): Uncertain significance (1 of 4 stars; one submission).

Conditions:
Intellectual developmental disorder, X-linked, syndromic, Billuart type. Also called: MENTAL RETARDATION, X-LINKED 60; X-linked intellectual disability-cerebellar hypoplasia syndrome. Identifiers: Orphanet 137831, MedGen C1845366, MONDO:0010337, OMIM 300486.

Submission:

Institute of Human Genetics, University of Leipzig Medical Center
Classification: Uncertain significance for Intellectual developmental disorder, X-linked, syndromic, Billuart type. Last evaluated: 2020-01-03. Review status: criteria provided, single submitter. Criteria: ACMG Guidelines, 2015. Collection method: clinical testing. Allele origin: germline. Affected: yes. Observed: 1 variant allele.
Comment: This variant was identified as hemizygous